The following is an entry in ClinVar:

ClinVar aggregate classification (germline): Uncertain significance. Review status: criteria provided, multiple submitters, no conflicts (2 of 4 stars). 5 submissions from 5 submitters: Uncertain significance (5). Last evaluated 2025-03-29.

Conditions:
UNC13D-related disorder. Also called: UNC13D-related condition.
Autoinflammatory syndrome. Identifiers: Orphanet 93665, MedGen C3890737, MONDO:0019751.
Familial hemophagocytic lymphohistiocytosis 3 (FHL3). Also called: UNC13D-Related Familial Hemophagocytic Lymphohistiocytosis (UNC13D-fHLH). Identifiers: Orphanet 540, MedGen C1837174, MONDO:0012146, OMIM 608898.

Allele frequency attached by ClinVar (database versions not stated): TOPMed 0.00004; gnomAD exomes 0.00005 and 0.00011; gnomAD 0.00006; ExAC 0.00009.
gnomAD v4.1: 84 of 1,584,710 alleles (0.0053%); highest among the groups gnomAD compares: Middle Eastern, 0.053%; no homozygotes.

Submissions (5):

PreventionGenetics, part of Exact Sciences
Classification: Uncertain significance for UNC13D-related condition. Last evaluated: 2025-03-29. Review status: criteria provided, single submitter. Criteria: ACMG Guidelines, 2015. Collection method: clinical testing. Allele origin: germline.
Comment: The UNC13D c.2219C>T variant is predicted to result in the amino acid substitution p.Thr740Met. This variant was reported in an individual with Epstein-Barr virus (EBV) T/NK-cell lymphoproliferative disease (Table S1, Guan et al. 2021. PubMed ID: 34170459). This variant is reported in 0.058% of alleles in individuals of East Asian descent in gnomAD. At this time, the clinical significance of this variant is uncertain due to the absence of conclusive functional and genetic evidence.

CeGaT Center for Human Genetics Tuebingen
Classification: Uncertain significance. Last evaluated: 2024-11-01. Review status: criteria provided, single submitter. Criteria: CeGaT Center For Human Genetics Tuebingen Variant Classification Criteria Version 2. Collection method: clinical testing. Allele origin: germline. Affected: yes. Observed: 2 variant alleles.
Comment: UNC13D: PM2, PM3:Supporting, BP2

Blueprint Genetics
Classification: Uncertain significance. Last evaluated: 2024-10-17. Review status: criteria provided, single submitter. Criteria: ACMG Guidelines, 2015. Collection method: clinical testing. Allele origin: germline.

Labcorp Genetics (formerly Invitae), Labcorp
Classification: Uncertain significance for Familial hemophagocytic lymphohistiocytosis 3. Last evaluated: 2023-12-07. Review status: criteria provided, single submitter. Criteria: Invitae Variant Classification Sherloc (09022015). Collection method: clinical testing. Allele origin: germline.
Comment: This sequence change replaces threonine, which is neutral and polar, with methionine, which is neutral and non-polar, at codon 740 of the UNC13D protein (p.Thr740Met). This variant is present in population databases (rs761013333, gnomAD 0.06%). This missense change has been observed in individual(s) with Epstein-Barr virus-associated hemophagocytic lymphohistiocytosis (PMID: 34170459). ClinVar contains an entry for this variant (Variation ID: 967160). Advanced modeling of protein sequence and biophysical properties (such as structural, functional, and spatial information, amino acid conservation, physicochemical variation, residue mobility, and thermodynamic stability) has been performed at Invitae for this missense variant, however the output from this modeling did not meet the statistical confidence thresholds required to predict the impact of this variant on UNC13D protein function. In summary, the available evidence is currently insufficient to determine the role of this variant in disease. Therefore, it has been classified as a Variant of Uncertain Significance.

Genome Diagnostics Laboratory, The Hospital for Sick Children
Classification: Uncertain significance for Autoinflammatory syndrome. Last evaluated: 2019-04-01. Review status: criteria provided, single submitter. Criteria: ACMG Guidelines, 2015. Collection method: clinical testing. Allele origin: germline. Affected: yes.

Literature cited by the submitters: PubMed 34170459 (cited by Labcorp Genetics (formerly Invitae), Labcorp).

NM_199242.3(UNC13D):c.2219C>T (p.Thr740Met)

Gene: UNC13D (unc-13 homolog D; minus strand). Cytogenetic location: 17q25.1.
Variant type: single nucleotide variant.
Coding change: c.2219C>T on transcript NM_199242.3 (MANE Select); coding-DNA position 2219, C replaced by T.
Protein change: p.Thr740Met; replaces threonine 740 with methionine.
Molecular consequence: missense variant.
Genome position (GRCh38, 1-based): chr17:75,834,404, G>A on the plus strand (C>T on the coding strand, the complement: UNC13D is on the minus strand). VCF-style: chr17-75834404-G-A. GRCh37 (hg19) VCF-style: chr17-73830485-G-A.
Other names: short protein forms T740M.
Identifiers: ClinVar variation 967160 (VCV000967160.24), dbSNP rs761013333, ClinGen allele CA8772641.